The following is an entry in ClinVar:

NM_012418.4(FSCN2):c.287C>T (p.Pro96Leu)

Gene: FSCN2 (fascin actin-bundling protein 2, retinal; plus strand). Cytogenetic location: 17q25.3.
Variant type: single nucleotide variant.
Coding change: c.287C>T on transcript NM_012418.4 (MANE Select); coding-DNA position 287, C replaced by T.
Protein change: p.Pro96Leu; replaces proline 96 with leucine.
Molecular consequence: missense variant.
Genome position (GRCh38, 1-based): chr17:81,528,818, C>T. VCF-style: chr17-81528818-C-T. GRCh37 (hg19) VCF-style: chr17-79495844-C-T.
Other names: c.287C>T, p.Pro96Leu (NM_001077182.3); short protein forms P96L.
Identifiers: ClinVar variation 2006185 (VCV002006185.4), dbSNP rs2544424944, ClinGen allele CA401470446.
Genomic context (GRCh38, chr17:81,528,818, plus strand): 5'-GCGTGGCCTGTGAGGCAGAGCAGCCGGGCCGTGACTGCCGCTTCCTGGTCCTGCCGCAGC[C>T]AGATGGGCGCTGGGTGCTGCGGTCCGAGCCGCACGGCCGCTTCTTCGGAGGCACCGAGGA-3'
Protein context (NP_036550.1, residues 86-106): RDCRFLVLPQ[Pro96Leu]DGRWVLRSEP

ClinVar aggregate classification (germline): Uncertain significance (1 of 4 stars; one submission).

Submission:

Labcorp Genetics (formerly Invitae), Labcorp
Classification: Uncertain significance. Last evaluated: 2023-10-13. Review status: criteria provided, single submitter. Criteria: Invitae Variant Classification Sherloc (09022015). Collection method: clinical testing. Allele origin: germline.
Comment: This sequence change replaces proline, which is neutral and non-polar, with leucine, which is neutral and non-polar, at codon 96 of the FSCN2 protein (p.Pro96Leu). This variant is not present in population databases (gnomAD no frequency). This variant has not been reported in the literature in individuals affected with FSCN2-related conditions. ClinVar contains an entry for this variant (Variation ID: 2006185). An algorithm developed to predict the effect of missense changes on protein structure and function (PolyPhen-2) suggests that this variant is likely to be tolerated. In summary, the available evidence is currently insufficient to determine the role of this variant in disease. Therefore, it has been classified as a Variant of Uncertain Significance.